The following is an entry in ClinVar:

NM_016529.6(ATP8A2):c.779+4T>C

Gene: ATP8A2 (ATPase phospholipid transporting 8A2). Cytogenetic location: 13q12.13.
Variant type: single nucleotide variant.
Coding change: c.779+4T>C on transcript NM_016529.6 (MANE Select); 4 bases into the intron after coding-DNA position 779, T replaced by C.
Molecular consequence: intron variant.
Genome position (GRCh38, 1-based): chr13:25,542,050, T>C. VCF-style: chr13-25542050-T-C. GRCh37 (hg19) VCF-style: chr13-26116188-T-C.
Other names: c.659+4T>C (NM_001313741.1).
Identifiers: ClinVar variation 1428263 (VCV001428263.6), dbSNP rs2137995499, ClinGen allele CA2573149182.

ClinVar aggregate classification (germline): Uncertain significance (1 of 4 stars; one submission).

Submission:

Labcorp Genetics (formerly Invitae), Labcorp
Classification: Uncertain significance. Last evaluated: 2022-07-26. Review status: criteria provided, single submitter. Criteria: Invitae Variant Classification Sherloc (09022015). Collection method: clinical testing. Allele origin: germline.
Comment: This variant has not been reported in the literature in individuals affected with ATP8A2-related conditions. In summary, the available evidence is currently insufficient to determine the role of this variant in disease. Therefore, it has been classified as a Variant of Uncertain Significance. Variants that disrupt the consensus splice site are a relatively common cause of aberrant splicing (PMID: 17576681, 9536098). Algorithms developed to predict the effect of sequence changes on RNA splicing suggest that this variant is not likely to affect RNA splicing. ClinVar contains an entry for this variant (Variation ID: 1428263). This variant is not present in population databases (gnomAD no frequency). This sequence change falls in intron 9 of the ATP8A2 gene. It does not directly change the encoded amino acid sequence of the ATP8A2 protein. It affects a nucleotide within the consensus splice site.

Literature cited by the submitters: PubMed 17576681; PubMed 9536098.